The following is an entry in ClinVar:

ClinVar aggregate classification (germline): Uncertain significance. Review status: criteria provided, multiple submitters, no conflicts (2 of 4 stars). 2 submissions from 2 submitters: Uncertain significance (2). Last evaluated 2024-01-02.

Allele frequency attached by ClinVar (database versions not stated): gnomAD exomes below 0.00001; gnomAD 0.00003; TOPMed 0.00003.
gnomAD v4.1: 7 of 1,614,056 alleles (0.00043%); highest among the groups gnomAD compares: Admixed American, 0.01%; no homozygotes.

Submissions (2):

Ambry Genetics
Classification: Uncertain significance. Last evaluated: 2024-01-02. Review status: criteria provided, single submitter. Criteria: Ambry Variant Classification Scheme 2023. Collection method: clinical testing. Allele origin: germline.

Labcorp Genetics (formerly Invitae), Labcorp
Classification: Uncertain significance. Last evaluated: 2022-05-31. Review status: criteria provided, single submitter. Criteria: Invitae Variant Classification Sherloc (09022015). Collection method: clinical testing. Allele origin: germline.
Comment: In summary, the available evidence is currently insufficient to determine the role of this variant in disease. Therefore, it has been classified as a Variant of Uncertain Significance. Algorithms developed to predict the effect of missense changes on protein structure and function are either unavailable or do not agree on the potential impact of this missense change (SIFT: "Tolerated"; PolyPhen-2: "Possibly Damaging"; Align-GVGD: "Class C0"). This variant has not been reported in the literature in individuals affected with IFNAR2-related conditions. This variant is not present in population databases (gnomAD no frequency). This sequence change replaces aspartic acid, which is acidic and polar, with glycine, which is neutral and non-polar, at codon 437 of the IFNAR2 protein (p.Asp437Gly).

NM_001289125.3(IFNAR2):c.1310A>G (p.Asp437Gly)

Genes: IFNAR2 (interferon alpha and beta receptor subunit 2; plus strand), IFNAR2-IL10RB (IFNAR2-IL10RB readthrough; plus strand). Cytogenetic location: 21q22.11.
Variant type: single nucleotide variant.
Coding change: c.1310A>G on transcript NM_001289125.3 (MANE Select); coding-DNA position 1310, A replaced by G.
Protein change: p.Asp437Gly; replaces aspartic acid 437 with glycine.
Molecular consequence: missense variant. On other transcripts: 3 prime UTR variant (5).
Genome position (GRCh38, 1-based): chr21:33,263,262, A>G. VCF-style: chr21-33263262-A-G. GRCh37 (hg19) VCF-style: chr21-34635567-A-G.
Other names: c.1310A>G (NM_207585.1); c.*546A>G (NM_000874.5, NM_207584.3); c.*459A>G (NM_001289126.2, NM_001289128.2); c.*685A>G (NM_001385054.1); c.1310A>G, p.Asp437Gly (NM_001385055.1, NM_207585.3); short protein forms D437G.
Identifiers: ClinVar variation 2190847 (VCV002190847.5), dbSNP rs1568897976, ClinGen allele CA410105620.